The following is an entry in ClinVar:

NM_001006658.3(CR2):c.1064A>G (p.Gln355Arg)

Genes: CR2 (complement C3d receptor 2; plus strand), LOC126805994 (BRD4-independent group 4 enhancer GRCh37_chr1:207642622-207643821; plus strand). Cytogenetic location: 1q32.2.
Variant type: single nucleotide variant.
Coding change: c.1064A>G on transcript NM_001006658.3 (MANE Select); coding-DNA position 1064, A replaced by G.
Protein change: p.Gln355Arg; replaces glutamine 355 with arginine.
Molecular consequence: missense variant.
Genome position (GRCh38, 1-based): chr1:207,469,941, A>G. VCF-style: chr1-207469941-A-G. GRCh37 (hg19) VCF-style: chr1-207643286-A-G.
Other names: c.1064A>G, p.Gln355Arg (NM_001877.5); short protein forms Q355R.
Identifiers: ClinVar variation 849010 (VCV000849010.12), dbSNP rs777919823, ClinGen allele CA1368615.

ClinVar aggregate classification (germline): Uncertain significance. Review status: criteria provided, multiple submitters, no conflicts (2 of 4 stars). 3 submissions from 3 submitters: Uncertain significance (3). Last evaluated 2025-04-07.

Conditions:
Immunodeficiency, common variable, 7. Identifiers: Orphanet 1572, Orphanet 696894, MedGen C3542922, MONDO:0013862, OMIM 614699.
Inborn genetic diseases. Identifiers: MedGen C0950123, MeSH D030342.

Allele frequency attached by ClinVar (database versions not stated): gnomAD 0.00002; TOPMed 0.00001.
gnomAD v4.1: 9 of 1,613,886 alleles (0.00056%); highest among the groups gnomAD compares: East Asian, 0.013%; no homozygotes.

Submissions (3):

Labcorp Genetics (formerly Invitae), Labcorp
Classification: Uncertain significance for Immunodeficiency, common variable, 7. Last evaluated: 2025-04-07. Review status: criteria provided, single submitter. Criteria: Invitae Variant Classification Sherloc (09022015). Collection method: clinical testing. Allele origin: germline.
Comment: This sequence change replaces glutamine, which is neutral and polar, with arginine, which is basic and polar, at codon 355 of the CR2 protein (p.Gln355Arg). This variant is present in population databases (rs777919823, gnomAD 0.003%). This variant has not been reported in the literature in individuals affected with CR2-related conditions. ClinVar contains an entry for this variant (Variation ID: 849010). An algorithm developed to predict the effect of missense changes on protein structure and function (PolyPhen-2) suggests that this variant is likely to be tolerated. In summary, the available evidence is currently insufficient to determine the role of this variant in disease. Therefore, it has been classified as a Variant of Uncertain Significance.

Genome-Nilou Lab
Classification: Uncertain significance for Immunodeficiency, common variable, 7. Last evaluated: 2023-04-11. Review status: criteria provided, single submitter. Criteria: ACMG Guidelines, 2015. Collection method: clinical testing. Allele origin: germline. Affected: no.

Ambry Genetics
Classification: Uncertain significance for Inborn genetic diseases. Last evaluated: 2022-01-26. Review status: criteria provided, single submitter. Criteria: Ambry Variant Classification Scheme 2023. Collection method: clinical testing. Allele origin: germline.